The following is an entry in ClinVar:

ClinVar aggregate classification (germline): Pathogenic/Likely pathogenic. Review status: criteria provided, multiple submitters, no conflicts (2 of 4 stars). 2 submissions from 2 submitters: Pathogenic (1); Likely pathogenic (1). Last evaluated 2026-03-24.

Conditions:
MKKS-related disorder. Also called: MKKS-related disorders; MKKS-related condition.
Bardet-Biedl syndrome (BBS). Identifiers: Orphanet 110, MedGen C0752166, MONDO:0015229.
McKusick-Kaufman syndrome (MKKS). Also called: HYDROMETROCOLPOS SYNDROME; HYDROMETROCOLPOS, POSTAXIAL POLYDACTYLY, AND CONGENITAL HEART MALFORMATION. Identifiers: Orphanet 2473, MedGen C0948368, MONDO:0009367, OMIM 236700.

Submissions (2):

PreventionGenetics, part of Exact Sciences
Classification: Likely pathogenic for MKKS-related condition. Last evaluated: 2026-03-24. Review status: criteria provided, single submitter. Criteria: ACMG Guidelines, 2015. Collection method: clinical testing. Allele origin: germline.
Comment: The MKKS c.126_129delGCTG variant is predicted to result in a frameshift and premature protein termination (p.Leu43Serfs*31). To our knowledge, this variant has not been reported in the literature or in a large population database (gnomAD), indicating this variant is rare. Frameshift variants in MKKS are expected to be pathogenic. This variant is interpreted as likely pathogenic.

Labcorp Genetics (formerly Invitae), Labcorp
Classification: Pathogenic for McKusick-Kaufman syndrome; Bardet-Biedl syndrome. Last evaluated: 2025-10-31. Review status: criteria provided, single submitter. Criteria: Invitae Variant Classification Sherloc (09022015). Collection method: clinical testing. Allele origin: germline.
Comment: This sequence change creates a premature translational stop signal (p.Leu43Serfs*31) in the MKKS gene. It is expected to result in an absent or disrupted protein product. Loss-of-function variants in MKKS are known to be pathogenic (PMID: 11179009, 28761321, 30614526). This variant is not present in population databases (gnomAD no frequency). This variant has not been reported in the literature in individuals affected with MKKS-related conditions. For these reasons, this variant has been classified as Pathogenic.

Literature cited by the submitters: PubMed 11179009 (cited by Labcorp Genetics (formerly Invitae), Labcorp); PubMed 28761321 (cited by Labcorp Genetics (formerly Invitae), Labcorp); PubMed 30614526 (cited by Labcorp Genetics (formerly Invitae), Labcorp).

NM_170784.3(MKKS):c.126_129del (p.Leu43fs)

Gene: MKKS (MKKS centrosomal shuttling protein; minus strand). Cytogenetic location: 20p12.2.
Variant type: Deletion.
Coding change: c.126_129del on transcript NM_170784.3 (MANE Select); coding-DNA positions 126 to 129, 4 bases deleted (GCTG; older notation c.126_129delGCTG).
Protein change: p.Leu43fs; shifts the reading frame from leucine 43.
Molecular consequence: frameshift variant.
Genome position (GRCh38, 1-based): chr20:10,413,386-10,413,389, CAGC deleted on the plus strand (GCTG on the coding strand, the reverse complement: MKKS is on the minus strand); deleting any 4 consecutive bases within chr20:10,413,386-10,413,390 gives the same sequence; the c. name uses the placement nearest the transcript's 3' end. VCF-style (leftmost placement, unchanged base first): chr20-10413385-TCAGC-T. GRCh37 (hg19) VCF-style: chr20-10394033-TCAGC-T.
Other names: c.126_129del, p.Leu43fs (NM_018848.3); c.126_129delGCTG (NM_018848.3); short protein forms L43fs.
Identifiers: ClinVar variation 4782446 (VCV004782446.2).